The following is an entry in ClinVar:

ClinVar aggregate classification (germline): Uncertain significance (1 of 4 stars; one submission).

gnomAD v4.1: 5 of 1,611,822 alleles (0.00031%); highest among the groups gnomAD compares: East Asian, 0.011%; no homozygotes.

Submission:

Labcorp Genetics (formerly Invitae), Labcorp
Classification: Uncertain significance. Last evaluated: 2025-04-11. Review status: criteria provided, single submitter. Criteria: Invitae Variant Classification Sherloc (09022015). Collection method: clinical testing. Allele origin: germline.
Comment: This sequence change replaces glycine, which is neutral and non-polar, with alanine, which is neutral and non-polar, at codon 311 of the DSCAML1 protein (p.Gly311Ala). This variant is present in population databases (rs781369363, gnomAD 0.006%). This variant has not been reported in the literature in individuals affected with DSCAML1-related conditions. An algorithm developed to predict the effect of missense changes on protein structure and function (PolyPhen-2) suggests that this variant is likely to be disruptive. In summary, the available evidence is currently insufficient to determine the role of this variant in disease. Therefore, it has been classified as a Variant of Uncertain Significance.

NM_020693.4(DSCAML1):c.752G>C (p.Gly251Ala)

Gene: DSCAML1 (DS cell adhesion molecule like 1; minus strand). Cytogenetic location: 11q23.3.
Variant type: single nucleotide variant.
Coding change: c.752G>C on transcript NM_020693.4 (MANE Select); coding-DNA position 752, G replaced by C.
Protein change: p.Gly251Ala; replaces glycine 251 with alanine.
Molecular consequence: missense variant.
Genome position (GRCh38, 1-based): chr11:117,524,990, C>G on the plus strand (G>C on the coding strand, the complement: DSCAML1 is on the minus strand). VCF-style: chr11-117524990-C-G. GRCh37 (hg19) VCF-style: chr11-117395705-C-G.
Other names: c.752G>C, p.Gly251Ala (NM_001367904.1); c.344G>C, p.Gly115Ala (NM_001367905.1); short protein forms G115A, G251A.
Identifiers: ClinVar variation 4696937 (VCV004696937.1).
Genomic context (GRCh38, chr11:117,524,990, plus strand): 5'-CGGCTGTCAGCCGGGAGGGGCCGGCCATCCTTGAGCCAGCGGATGGCGGGGATAGGGTAG[C>G]CCGAGGCGGTGCAGGGCAGCTCCACGGTGTGGCCGGCCCACACTTCCTGGGAGTGGAAGC-3'
Protein context (NP_065744.3, residues 241-261): HTVELPCTAS[Gly251Ala]YPIPAIRWLK